The following is an entry in ClinVar:

ClinVar aggregate classification (germline): Conflicting classifications of pathogenicity. Review status: criteria provided, conflicting classifications (1 of 4 stars). 6 submissions from 2 submitters: Uncertain significance (2); Likely benign (4). Last evaluated 2025-05-13.

Conditions:
Autosomal dominant keratitis. Also called: Keratitis, hereditary. Identifiers: Orphanet 2334, MedGen C1835698, MONDO:0007848, OMIM 148190.
Foveal hypoplasia 1. Also called: FOVEAL HYPOPLASIA 1 WITH OR WITHOUT ANTERIOR SEGMENT ANOMALIES AND/OR CATARACT; FOVEAL HYPOPLASIA 1 WITH ANTERIOR SEGMENT ANOMALIES. Identifiers: Orphanet 2253, MedGen C3805604, MONDO:0007628, OMIM 136520.
Anophthalmia-microphthalmia syndrome. Also called: Anophthalmia/Microphthalmia; Anophthalmia - microphthalmia. Identifiers: Orphanet 98555, MedGen C5680330, MONDO:0020147.
11p partial monosomy syndrome (WAGR). Also called: WAGR syndrome; WAGR Complex; CHROMOSOME 11p13 DELETION SYNDROME; WAGR Spectrum Disorder. Identifiers: Orphanet 893, MedGen C0206115, MONDO:0008681, OMIM 194072.
Aniridia 1 (AN1). Identifiers: Orphanet 250923, MedGen C0344542, MONDO:0024507, OMIM 106210.
Irido-corneo-trabecular dysgenesis (ASGD5). Also called: ANTERIOR SEGMENT DYSGENESIS 5. Identifiers: Orphanet 708, MedGen C0344559, MONDO:0011414, OMIM 604229, HP:0000659.
carboxymethyl-dextran-A2-gadolinium-DOTA.

Allele frequency attached by ClinVar (database versions not stated): gnomAD 0.00001; ExAC 0.00002; TOPMed 0.00003.
gnomAD v4.1: 134 of 1,614,060 alleles (0.0083%); highest among the groups gnomAD compares: Non-Finnish European, 0.011%; 1 homozygote.

Submissions (6):

Labcorp Genetics (formerly Invitae), Labcorp
Classification: Likely benign for Aniridia 1; Irido-corneo-trabecular dysgenesis. Last evaluated: 2025-05-13. Review status: criteria provided, single submitter. Criteria: Invitae Variant Classification Sherloc (09022015). Collection method: clinical testing. Allele origin: germline.

Illumina Laboratory Services, Illumina
Classification: Uncertain significance for Anophthalmia-microphthalmia syndrome. Last evaluated: 2018-01-12. Review status: criteria provided, single submitter. Criteria: ICSL Variant Classification Criteria 13 December 2019. Collection method: clinical testing. Allele origin: germline.

Illumina Laboratory Services, Illumina
Classification: Likely benign for Wilms tumor, aniridia, genitourinary anomalies, and mental retardation syndrome. Last evaluated: 2018-01-12. Review status: criteria provided, single submitter. Criteria: ICSL Variant Classification Criteria 13 December 2019. Collection method: clinical testing. Allele origin: germline.
Comment: This variant was observed in the ICSL laboratory as part of a predisposition screen in an ostensibly healthy population. It had not been previously curated by ICSL or reported in the Human Gene Mutation Database (HGMD: prior to June 1st, 2018), and was therefore a candidate for classification through an automated scoring system. Utilizing variant allele frequency, disease prevalence and penetrance estimates, and inheritance mode, an automated score was calculated to assess if this variant is too frequent to cause the disease. Based on the score and internal cut-off values, a variant classified as likely benign is not then subjected to further curation. The score for this variant resulted in a classification of likely benign for this disease.

Illumina Laboratory Services, Illumina
Classification: Uncertain significance for carboxymethyl-dextran-A2-gadolinium-DOTA. Last evaluated: 2018-01-12. Review status: criteria provided, single submitter. Criteria: ICSL Variant Classification Criteria 13 December 2019. Collection method: clinical testing. Allele origin: germline.

Illumina Laboratory Services, Illumina
Classification: Likely benign for Autosomal dominant keratitis. Last evaluated: 2018-01-12. Review status: criteria provided, single submitter. Criteria: ICSL Variant Classification Criteria 13 December 2019. Collection method: clinical testing. Allele origin: germline.
Comment: the same text as in the submission from Illumina Laboratory Services, Illumina above.

Illumina Laboratory Services, Illumina
Classification: Likely benign for Foveal hypoplasia 1. Last evaluated: 2018-01-12. Review status: criteria provided, single submitter. Criteria: ICSL Variant Classification Criteria 13 December 2019. Collection method: clinical testing. Allele origin: germline.
Comment: the same text as in the submission from Illumina Laboratory Services, Illumina above.

NM_001368894.2(PAX6):c.972A>T (p.Thr324=)

Gene: PAX6 (paired box 6; minus strand). Cytogenetic location: 11p13.
Variant type: single nucleotide variant.
Coding change: c.972A>T on transcript NM_001368894.2 (MANE Select); coding-DNA position 972, A replaced by T.
Protein change: p.Thr324=; no amino-acid change (threonine 324 retained).
Molecular consequence: synonymous variant. On other transcripts: non-coding transcript variant (2).
Genome position (GRCh38, 1-based): chr11:31,793,540, T>A on the plus strand (A>T on the coding strand, the complement: PAX6 is on the minus strand). VCF-style: chr11-31793540-T-A. GRCh37 (hg19) VCF-style: chr11-31815088-T-A.
Other names: c.930A>T, p.Thr310= (NM_000280.6, NM_001127612.3, NM_001258464.2 and 10 more transcripts); c.972A>T, p.Thr324= (NM_001258462.3, NM_001258463.2, NM_001310158.2 and 6 more transcripts); c.522A>T, p.Thr174= (NM_001310160.2, NM_001310161.3, NM_001368899.2 and 11 more transcripts); c.1173A>T, p.Thr391= (NM_001368910.2); c.975A>T, p.Thr325= (NM_001368911.2); c.1047A>T, p.Thr349= (NM_001368918.2, NM_001368919.2); c.1005A>T, p.Thr335= (NM_001368920.2); c.771A>T, p.Thr257= (NM_001368921.2, NM_001368922.2, NM_001368923.2 and 4 more transcripts); and 2 more.
Identifiers: ClinVar variation 878639 (VCV000878639.8), dbSNP rs779631884, ClinGen allele CA5933758.